The following is an entry in ClinVar:

NM_001165963.4(SCN1A):c.638C>T (p.Ser213Leu)

Gene: SCN1A (sodium voltage-gated channel alpha subunit 1; minus strand). Cytogenetic location: 2q24.3.
Variant type: single nucleotide variant.
Coding change: c.638C>T on transcript NM_001165963.4 (MANE Select); coding-DNA position 638, C replaced by T.
Protein change: p.Ser213Leu; replaces serine 213 with leucine.
Molecular consequence: missense variant. On other transcripts: 5 prime UTR variant (1), non-coding transcript variant (1).
Genome position (GRCh38, 1-based): chr2:166,052,908, G>A on the plus strand (C>T on the coding strand, the complement: SCN1A is on the minus strand). VCF-style: chr2-166052908-G-A. GRCh37 (hg19) VCF-style: chr2-166909418-G-A.
Other names: c.638C>T, p.Ser213Leu (NM_001165964.3, NM_001202435.3, NM_001353948.2 and 10 more transcripts); c.-1788C>T (NM_001353961.2); short protein forms S213L.
Identifiers: ClinVar variation 665186 (VCV000665186.16), dbSNP rs754661378, ClinGen allele CA1943469.

ClinVar aggregate classification (germline): Conflicting classifications of pathogenicity. Review status: criteria provided, conflicting classifications (1 of 4 stars). 3 submissions from 3 submitters: Uncertain significance (2); Likely benign (1). Last evaluated 2025-12-15.

Conditions:
Early-infantile DEE. Also called: Ohtahara syndrome; Early infantile epileptic encephalopathy; Early infantile epileptic encephalopathy with suppression bursts. Identifiers: Orphanet 1934, MedGen C0393706, MONDO:0800491.
Inborn genetic diseases. Identifiers: MedGen C0950123, MeSH D030342.

Allele frequency attached by ClinVar (database versions not stated): ExAC 0.00001; gnomAD exomes 0.00001 and 0.00003; TOPMed 0.00002.
gnomAD v4.1: 10 of 1,612,360 alleles (0.00062%); highest among the groups gnomAD compares: Admixed American, 0.012%; no homozygotes.

Submissions (3):

Labcorp Genetics (formerly Invitae), Labcorp
Classification: Likely benign for Early-infantile DEE. Last evaluated: 2025-12-15. Review status: criteria provided, single submitter. Criteria: Invitae Variant Classification Sherloc (09022015). Collection method: clinical testing. Allele origin: germline.

GeneDx
Classification: Uncertain significance. Last evaluated: 2021-06-25. Review status: criteria provided, single submitter. Criteria: GeneDx Variant Classification Process June 2021. Collection method: clinical testing. Allele origin: germline. Affected: yes.
Comment: Missense variants in this gene are often considered pathogenic (Stenson et al., 2014); In silico analysis supports that this missense variant has a deleterious effect on protein structure/function; Has not been previously published as pathogenic or benign to our knowledge; This variant is associated with the following publications: (PMID: 27535533, 24077912)

Ambry Genetics
Classification: Uncertain significance for Inborn genetic diseases. Last evaluated: 2018-10-12. Review status: criteria provided, single submitter. Criteria: Ambry Variant Classification Scheme 2023. Collection method: clinical testing. Allele origin: germline.
Comment: The p.S213L variant (also known as c.638C>T), located in coding exon 5 of the SCN1A gene, results from a C to T substitution at nucleotide position 638. The serine at codon 213 is replaced by leucine, an amino acid with dissimilar properties. A different alteration located at the same position, p.S213W, was detected in an individual with febrile and afebrile seizures and developmental delay (Butler KM et al. Pediatr. Neurol., 2017 Dec;77:61-66). This amino acid position is highly conserved in available vertebrate species. In addition, this alteration is predicted to be deleterious by in silico analysis. Since supporting evidence is limited at this time, the clinical significance of this alteration remains unclear.